The following is an entry in ClinVar:

NM_000260.4(MYO7A):c.6037T>A (p.Phe2013Ile)

Gene: MYO7A (myosin VIIA; plus strand). Cytogenetic location: 11q13.5.
Variant type: single nucleotide variant.
Coding change: c.6037T>A on transcript NM_000260.4 (MANE Select); coding-DNA position 6037, T replaced by A.
Protein change: p.Phe2013Ile; replaces phenylalanine 2013 with isoleucine.
Molecular consequence: missense variant.
Genome position (GRCh38, 1-based): chr11:77,208,789, T>A. VCF-style: chr11-77208789-T-A. GRCh37 (hg19) VCF-style: chr11-76919834-T-A.
Other names: c.5923T>A, p.Phe1975Ile (NM_001127180.2); c.5890T>A, p.Phe1964Ile (NM_001369365.1); short protein forms F1964I, F1975I, F2013I.
Identifiers: ClinVar variation 2971792 (VCV002971792.3), dbSNP rs2497760477, ClinGen allele CA381934688.

ClinVar aggregate classification (germline): Uncertain significance (1 of 4 stars; one submission).

Allele frequency attached by ClinVar (database versions not stated): gnomAD exomes 0.00001.
gnomAD v4.1: 10 of 1,565,876 alleles (0.00064%); highest among the groups gnomAD compares: Non-Finnish European, 0.00087%; no homozygotes.

Submission:

Labcorp Genetics (formerly Invitae), Labcorp
Classification: Uncertain significance. Last evaluated: 2023-01-19. Review status: criteria provided, single submitter. Criteria: Invitae Variant Classification Sherloc (09022015). Collection method: clinical testing. Allele origin: germline.
Comment: This sequence change replaces phenylalanine, which is neutral and non-polar, with isoleucine, which is neutral and non-polar, at codon 2013 of the MYO7A protein (p.Phe2013Ile). This variant is not present in population databases (gnomAD no frequency). This variant has not been reported in the literature in individuals affected with MYO7A-related conditions. Advanced modeling of protein sequence and biophysical properties (such as structural, functional, and spatial information, amino acid conservation, physicochemical variation, residue mobility, and thermodynamic stability) performed at Invitae indicates that this missense variant is expected to disrupt MYO7A protein function. In summary, the available evidence is currently insufficient to determine the role of this variant in disease. Therefore, it has been classified as a Variant of Uncertain Significance.